The following is an entry in ClinVar:

NM_002666.5(PLIN1):c.898G>C (p.Asp300His)

Gene: PLIN1 (perilipin 1; minus strand). Cytogenetic location: 15q26.1.
Variant type: single nucleotide variant.
Coding change: c.898G>C on transcript NM_002666.5 (MANE Select); coding-DNA position 898, G replaced by C.
Protein change: p.Asp300His; replaces aspartic acid 300 with histidine.
Molecular consequence: missense variant.
Genome position (GRCh38, 1-based): chr15:89,667,667, C>G on the plus strand (G>C on the coding strand, the complement: PLIN1 is on the minus strand). VCF-style: chr15-89667667-C-G. GRCh37 (hg19) VCF-style: chr15-90210898-C-G.
Other names: c.898G>C, p.Asp300His (NM_001145311.2); short protein forms D300H.
Identifiers: ClinVar variation 2574379 (VCV002574379.1), dbSNP rs1353778384, ClinGen allele CA393792874.

ClinVar aggregate classification (germline): Uncertain significance (1 of 4 stars; one submission).

Allele frequency attached by ClinVar (database versions not stated): TOPMed below 0.00001; gnomAD 0.00001.
gnomAD v4.1: 3 of 1,606,268 alleles (0.00019%); highest among the groups gnomAD compares: Admixed American, 0.0017%; no homozygotes.

Submission:

GeneDx
Classification: Uncertain significance. Last evaluated: 2023-01-25. Review status: criteria provided, single submitter. Criteria: GeneDx Variant Classification Process June 2021. Collection method: clinical testing. Allele origin: germline. Affected: yes.
Comment: In silico analysis supports that this missense variant does not alter protein structure/function; Has not been previously published as pathogenic or benign to our knowledge